The following is an entry in ClinVar:

NM_001282531.3(ADNP):c.1202C>T (p.Ser401Phe)

Gene: ADNP (activity dependent neuroprotector homeobox; minus strand). Cytogenetic location: 20q13.13.
Variant type: single nucleotide variant.
Coding change: c.1202C>T on transcript NM_001282531.3 (MANE Select); coding-DNA position 1202, C replaced by T.
Protein change: p.Ser401Phe; replaces serine 401 with phenylalanine.
Molecular consequence: missense variant.
Genome position (GRCh38, 1-based): chr20:50,893,512, G>A on the plus strand (C>T on the coding strand, the complement: ADNP is on the minus strand). VCF-style: chr20-50893512-G-A. GRCh37 (hg19) VCF-style: chr20-49510049-G-A.
Other names: c.1202C>T, p.Ser401Phe (NM_001282532.2, NM_001347511.2, NM_015339.5 and 1 more transcripts); c.1418C>T, p.Ser473Phe (NM_001439000.1); c.518C>T, p.Ser173Phe (NM_001439001.1); short protein forms S473F, S173F, S401F.
Identifiers: ClinVar variation 4715011 (VCV004715011.1).

ClinVar aggregate classification (germline): Uncertain significance (1 of 4 stars; one submission).

Submission:

Labcorp Genetics (formerly Invitae), Labcorp
Classification: Uncertain significance. Last evaluated: 2025-03-19. Review status: criteria provided, single submitter. Criteria: Invitae Variant Classification Sherloc (09022015). Collection method: clinical testing. Allele origin: germline.
Comment: This sequence change replaces serine, which is neutral and polar, with phenylalanine, which is neutral and non-polar, at codon 401 of the ADNP protein (p.Ser401Phe). This variant is not present in population databases (gnomAD no frequency). This variant has not been reported in the literature in individuals affected with ADNP-related conditions. An algorithm developed to predict the effect of missense changes on protein structure and function (PolyPhen-2) suggests that this variant is likely to be disruptive. In summary, the available evidence is currently insufficient to determine the role of this variant in disease. Therefore, it has been classified as a Variant of Uncertain Significance.